The following is an entry in ClinVar:

NM_000329.3(RPE65):c.1446T>C (p.Asp482=)

Gene: RPE65 (retinoid isomerohydrolase RPE65; minus strand). Cytogenetic location: 1p31.3.
Variant type: single nucleotide variant.
Coding change: c.1446T>C on transcript NM_000329.3 (MANE Select); coding-DNA position 1446, T replaced by C.
Protein change: p.Asp482=; no amino-acid change (aspartic acid 482 retained).
Molecular consequence: synonymous variant.
Genome position (GRCh38, 1-based): chr1:68,431,069, A>G on the plus strand (T>C on the coding strand, the complement: RPE65 is on the minus strand). VCF-style: chr1-68431069-A-G. GRCh37 (hg19) VCF-style: chr1-68896752-A-G.
Other names: c.1446T>C (NM_000329.2).
Identifiers: ClinVar variation 1116119 (VCV001116119.11), dbSNP rs72926953, ClinGen allele CA902168.
Genomic context (GRCh38, chr1:68,431,069, plus strand): 5'-TAACATACAGAACTGCAGTAAGAAGAGTATTCAGACACAACAATTGCTTTCATTACCATC[A>G]TCTTCTTCCAAGGCATCTGGGTGAGAAACAAAGATGGGTTCTGATGGGTATGAATCAGGC-3'
Protein context (NP_000320.1, residues 472-492): FVSHPDALEE[Asp482=]DGVVLSVVVS

ClinVar aggregate classification (germline): Likely benign. Review status: criteria provided, multiple submitters, no conflicts (2 of 4 stars). 3 submissions from 3 submitters: Likely benign (3). Last evaluated 2025-03-31.

Conditions:
RPE65-related disorder. Also called: RPE65-related condition; RPE65-related disorders. Identifiers: MedGen CN239301.
Leber congenital amaurosis 2 (LCA2). Also called: AMAUROSIS CONGENITA OF LEBER II; Autosomal Recessive RPE65-Related Retinal Degeneration. Identifiers: Orphanet 65, MedGen C1859844, MONDO:0008765, OMIM 204100. Disease mechanism: loss of function.
Retinitis pigmentosa 20 (RP20). Identifiers: Orphanet 791, MedGen C3151086, MONDO:0013425, OMIM 613794.

Allele frequency attached by ClinVar (database versions not stated): ExAC 0.00008; TOPMed 0.00015; gnomAD 0.00017; ESP Exome Variant Server 0.00023; 1000 Genomes Project 0.00040; 1000 Genomes Project 30x 0.00062; gnomAD exomes 0.00003 and 0.00007.
gnomAD v4.1: 68 of 1,612,936 alleles (0.0042%); highest among the groups gnomAD compares: African/African-American, 0.068%; no homozygotes.

Submissions (3):

PreventionGenetics, part of Exact Sciences
Classification: Likely benign for RPE65-related condition. Last evaluated: 2025-03-31. Review status: criteria provided, single submitter. Criteria: ACMG Guidelines, 2015. Collection method: clinical testing. Allele origin: germline.
Comment: This variant is classified as likely benign based on ACMG/AMP sequence variant interpretation guidelines (Richards et al. 2015 PMID: 25741868, with internal and published modifications).

Labcorp Genetics (formerly Invitae), Labcorp
Classification: Likely benign for Leber congenital amaurosis 2; Retinitis pigmentosa 20. Last evaluated: 2024-05-12. Review status: criteria provided, single submitter. Criteria: Invitae Variant Classification Sherloc (09022015). Collection method: clinical testing. Allele origin: germline.

Blueprint Genetics
Classification: Likely benign. Last evaluated: 2024-03-28. Review status: criteria provided, single submitter. Criteria: ACMG Guidelines, 2015. Collection method: clinical testing. Allele origin: germline.